The following is an entry in ClinVar:

NM_000257.4(MYH7):c.2274dup (p.Gly759fs)

Gene: MYH7 (myosin heavy chain 7; minus strand). Cytogenetic location: 14q11.2.
Variant type: Duplication.
Coding change: c.2274dup on transcript NM_000257.4 (MANE Select); coding-DNA position 2274, one base duplicated (T; older notation c.2274dupT).
Protein change: p.Gly759fs; shifts the reading frame from glycine 759.
Molecular consequence: frameshift variant.
Genome position (GRCh38, 1-based): chr14:23,425,707, A duplicated on the plus strand (T on the coding strand, the reverse complement: MYH7 is on the minus strand); the first of 3 consecutive A bases (chr14:23,425,707-23,425,709); duplicating any one gives the same sequence. VCF-style (leftmost placement, unchanged base first): chr14-23425706-C-CA. GRCh37 (hg19) VCF-style: chr14-23894915-C-CA.
Other names: c.2274dup, p.Gly759fs (NM_001407004.1); short protein forms G759fs.
Identifiers: ClinVar variation 4736140 (VCV004736140.1).

ClinVar aggregate classification (germline): Uncertain significance (1 of 4 stars; one submission).

Conditions:
Hypertrophic cardiomyopathy. Also called: HYPERTROPHIC MYOCARDIOPATHY. Identifiers: Orphanet 217569, MedGen C0007194, MeSH D002312, MONDO:0005045, HP:0001639.

Submission:

Labcorp Genetics (formerly Invitae), Labcorp
Classification: Uncertain significance for Hypertrophic cardiomyopathy. Last evaluated: 2026-01-25. Review status: criteria provided, single submitter. Criteria: Invitae Variant Classification Sherloc (09022015). Collection method: clinical testing. Allele origin: germline.
Comment: This sequence change creates a premature translational stop signal (p.Gly759Trpfs*50) in the MYH7 gene. It is expected to result in an absent or disrupted protein product. However, the current clinical and genetic evidence is not sufficient to establish whether loss-of-function variants in MYH7 cause disease. This variant is not present in population databases (gnomAD no frequency). This variant has not been reported in the literature in individuals affected with MYH7-related conditions. In summary, the available evidence is currently insufficient to determine the role of this variant in disease. Therefore, it has been classified as a Variant of Uncertain Significance.